The following is an entry in ClinVar:

ClinVar aggregate classification (germline): Conflicting classifications of pathogenicity. Review status: criteria provided, conflicting classifications (1 of 4 stars). 5 submissions from 5 submitters: Uncertain significance (1); Likely benign (3). 1 of the submissions does not count toward it. Last evaluated 2026-01-05.

Conditions:
Fanconi anemia (FA). Also called: Fanconi's anemia. Identifiers: Orphanet 84, MedGen C0015625, MeSH D005199, MONDO:0019391.
Fanconi anemia complementation group A (FANCA). Also called: Fanconi anemia, group A; FANCA-Related Fanconi Anemia. Identifiers: Orphanet 84, MedGen C3469521, MONDO:0009215, OMIM 227650.
Inborn genetic diseases. Identifiers: MedGen C0950123, MeSH D030342.

Allele frequency attached by ClinVar (database versions not stated): gnomAD exomes below 0.00001 and 0.00001; ExAC 0.00001.
gnomAD v4.1: 14 of 1,614,148 alleles (0.00087%); highest among the groups gnomAD compares: South Asian, 0.013%; no homozygotes.

Submissions (5):

Labcorp Genetics (formerly Invitae), Labcorp
Classification: Likely benign for Fanconi anemia. Last evaluated: 2026-01-05. Review status: criteria provided, single submitter. Criteria: Invitae Variant Classification Sherloc (09022015). Collection method: clinical testing. Allele origin: germline.

Quest Diagnostics Nichols Institute San Juan Capistrano
Classification: Likely benign. Last evaluated: 2025-07-10. Review status: criteria provided, single submitter. Criteria: Quest Diagnostics criteria. Collection method: clinical testing. Allele origin: unknown.

Ambry Genetics
Classification: Likely benign for Inborn genetic diseases. Last evaluated: 2024-12-14. Review status: criteria provided, single submitter. Criteria: Ambry Variant Classification Scheme 2023. Collection method: clinical testing. Allele origin: germline.

Illumina Laboratory Services, Illumina
Classification: Uncertain significance for Fanconi anemia complementation group A. Last evaluated: 2017-04-27. Review status: criteria provided, single submitter. Criteria: ICSL Variant Classification Criteria 13 December 2019. Collection method: clinical testing. Allele origin: germline.
Comment: This variant was observed as part of a predisposition screen in an ostensibly healthy population. A literature search was performed for the gene, cDNA change, and amino acid change (where applicable). Publications were found based on this search. However, the evidence from the literature, in combination with allele frequency data from public databases where available, was not sufficient to rule this variant in or out of causing disease. Therefore, this variant is classified as a variant of unknown significance.

Natera, Inc.
Classification: Likely benign for Fanconi anemia. Last evaluated: 2020-12-02. Review status: no assertion criteria provided. Collection method: clinical testing. Allele origin: germline. Not counted in ClinVar's aggregate classification.

Literature cited by the submitters: PubMed 9371798 (cited by Illumina Laboratory Services, Illumina).

NM_000135.4(FANCA):c.402T>C (p.Pro134=)

Gene: FANCA (FA complementation group A; minus strand). Cytogenetic location: 16q24.3.
Variant type: single nucleotide variant.
Coding change: c.402T>C on transcript NM_000135.4 (MANE Select); coding-DNA position 402, T replaced by C.
Protein change: p.Pro134=; no amino-acid change (proline 134 retained).
Molecular consequence: synonymous variant.
Genome position (GRCh38, 1-based): chr16:89,810,953, A>G on the plus strand (T>C on the coding strand, the complement: FANCA is on the minus strand). VCF-style: chr16-89810953-A-G. GRCh37 (hg19) VCF-style: chr16-89877361-A-G.
Other names: c.402T>C (NM_000135.3); c.402T>C, p.Pro134= (NM_001018112.3, NM_001286167.3, NM_001351830.2).
Identifiers: ClinVar variation 704232 (VCV000704232.20), dbSNP rs745666586, ClinGen allele CA8253034.
Genomic context (GRCh38, chr16:89,810,953, plus strand): 5'-AACGGGCAGGTTTCCTCATCTTTGCTGGTGTCTTACTCTCTGCTCCACAGTCAGCAGCAC[A>G]GGGTGACTGGTCTCCGCTGGAGCCGTGCAGATCTGTCCCACGCTAGAGGCAACCATCCCG-3'
Protein context (NP_000126.2, residues 124-144): ICTAPAETSH[Pro134=]VLLTVEQRKK